The following is an entry in ClinVar:

NM_003072.5(SMARCA4):c.246G>A (p.Lys82=)

Gene: SMARCA4 (SWI/SNF related BAF chromatin remodeling complex subunit ATPase 4; plus strand). Cytogenetic location: 19p13.2.
Variant type: single nucleotide variant.
Coding change: c.246G>A on transcript NM_003072.5 (MANE Select); coding-DNA position 246, G replaced by A.
Protein change: p.Lys82=; no amino-acid change (lysine 82 retained).
Molecular consequence: synonymous variant. On other transcripts: non-coding transcript variant (1).
Genome position (GRCh38, 1-based): chr19:10,985,296, G>A. VCF-style: chr19-10985296-G-A. GRCh37 (hg19) VCF-style: chr19-11095972-G-A.
Other names: c.246G>A, p.Lys82= (NM_001128844.3, NM_001128845.2, NM_001128846.2 and 5 more transcripts).
Identifiers: ClinVar variation 238405 (VCV000238405.12), dbSNP rs878854209, ClinGen allele CA10583713.

ClinVar aggregate classification (germline): Benign/Likely benign. Review status: criteria provided, multiple submitters, no conflicts (2 of 4 stars). 3 submissions from 3 submitters: Benign (1); Likely benign (2). Last evaluated 2026-07-08.

Conditions:
Hereditary cancer-predisposing syndrome. Also called: Hereditary Cancer Syndrome; Tumor predisposition; Hereditary neoplastic syndrome; Neoplastic Syndromes, Hereditary. Identifiers: Orphanet 140162, MedGen C0027672, MeSH D009386, MONDO:0015356.
Rhabdoid tumor predisposition syndrome 2 (RTPS2). Identifiers: Orphanet 231108, Orphanet 69077, MedGen C2750074, MONDO:0013224, OMIM 613325.

Allele frequency attached by ClinVar (database versions not stated): gnomAD 0.00001; TOPMed below 0.00001.

Submissions (3):

Myriad Genetics, Inc.
Classification: Benign for Rhabdoid tumor predisposition syndrome 2. Last evaluated: 2026-07-08. Review status: criteria provided, single submitter. Criteria: Myriad Autosomal Dominant, Autosomal Recessive and X-Linked Classification Criteria (2023). Collection method: clinical testing. Allele origin: unknown.
Comment: This variant is considered benign. This variant is a silent/synonymous amino acid change and it is not expected to impact splicing.

Labcorp Genetics (formerly Invitae), Labcorp
Classification: Likely benign for Rhabdoid tumor predisposition syndrome 2. Last evaluated: 2025-12-29. Review status: criteria provided, single submitter. Criteria: Invitae Variant Classification Sherloc (09022015). Collection method: clinical testing. Allele origin: germline.

Ambry Genetics
Classification: Likely benign for Hereditary cancer-predisposing syndrome. Last evaluated: 2023-04-19. Review status: criteria provided, single submitter. Criteria: Ambry Variant Classification Scheme 2023. Collection method: clinical testing. Allele origin: germline.